The following is an entry in ClinVar:

ClinVar aggregate classification (germline): Conflicting classifications of pathogenicity. Review status: criteria provided, conflicting classifications (1 of 4 stars). 2 submissions from 2 submitters: Uncertain significance (1); Likely benign (1). Last evaluated 2026-04-28.

Conditions:
ABCC12-related condition.

Allele frequency attached by ClinVar (database versions not stated): ExAC 0.00001; gnomAD 0.00003; TOPMed 0.00012.

Submissions (2):

PreventionGenetics, part of Exact Sciences
Classification: Uncertain significance for ABCC12-related condition. Last evaluated: 2026-04-28. Review status: criteria provided, single submitter. Criteria: ACMG Guidelines, 2015. Collection method: clinical testing. Allele origin: germline.
Comment: The ABCC12 c.3368G>A variant is predicted to result in the amino acid substitution p.Arg1123Lys. To our knowledge, this variant has not been reported in the literature. This variant is reported in 0.0062% of alleles in individuals of African descent in gnomAD. At this time, the clinical significance of this variant is uncertain due to the absence of conclusive functional and genetic evidence.

Ambry Genetics
Classification: Likely benign. Last evaluated: 2022-04-13. Review status: criteria provided, single submitter. Criteria: Ambry Variant Classification Scheme 2023. Collection method: clinical testing. Allele origin: germline.

NM_001393797.1(ABCC12):c.3368G>A (p.Arg1123Lys)

Gene: ABCC12 (ATP binding cassette subfamily C member 12; minus strand). Cytogenetic location: 16q12.1.
Variant type: single nucleotide variant.
Coding change: c.3368G>A on transcript NM_001393797.1 (MANE Select); coding-DNA position 3368, G replaced by A.
Protein change: p.Arg1123Lys; replaces arginine 1123 with lysine.
Molecular consequence: missense variant. On other transcripts: 5 prime UTR variant (2), non-coding transcript variant (8).
Genome position (GRCh38, 1-based): chr16:48,088,652, C>T on the plus strand (G>A on the coding strand, the complement: ABCC12 is on the minus strand). VCF-style: chr16-48088652-C-T. GRCh37 (hg19) VCF-style: chr16-48122563-C-T.
Other names: c.-11G>A (NM_001393798.1, NM_001393799.1); c.3368G>A, p.Arg1123Lys (NM_033226.3); short protein forms R1123K.
Identifiers: ClinVar variation 2345136 (VCV002345136.3), dbSNP rs767334127, ClinGen allele CA8041733.